The following is an entry in ClinVar:

NM_000383.4(AIRE):c.322C>T (p.Gln108Ter)

Gene: AIRE (autoimmune regulator; plus strand). Cytogenetic location: 21q22.3.
Variant type: single nucleotide variant.
Coding change: c.322C>T on transcript NM_000383.4 (MANE Select); coding-DNA position 322, C replaced by T.
Protein change: p.Gln108Ter; replaces glutamine 108 with a stop codon.
Molecular consequence: nonsense.
Genome position (GRCh38, 1-based): chr21:44,286,992, C>T. VCF-style: chr21-44286992-C-T. GRCh37 (hg19) VCF-style: chr21-45706875-C-T.
Other names: short protein forms Q108*.
Identifiers: ClinVar variation 950721 (VCV000950721.8), dbSNP rs1472808103, ClinGen allele CA410423607.

ClinVar aggregate classification (germline): Pathogenic (1 of 4 stars; one submission).

Conditions:
Polyglandular autoimmune syndrome, type 1 (APS1). Also called: Autoimmune polyendocrine syndrome type 1; Autoimmune polyendocrinopathy syndrome, type I; Whitaker syndrome; PGA I; Autoimmune polyendocrinopathy syndrome , type I, with or without reversible metaphyseal dysplasia; AUTOIMMUNE POLYENDOCRINE SYNDROME, TYPE I, WITH OR WITHOUT REVERSIBLE METAPHYSEAL DYSPLASIA. Identifiers: Orphanet 3453, MedGen C0085859, MONDO:0009411, OMIM 240300.

Allele frequency attached by ClinVar (database versions not stated): gnomAD exomes below 0.00001; TOPMed 0.00001.
gnomAD v4.1: 1 of 1,612,802 alleles (0.000062%); highest among the groups gnomAD compares: African/African-American, 0.0013%; no homozygotes.

Submission:

Labcorp Genetics (formerly Invitae), Labcorp
Classification: Pathogenic for Polyglandular autoimmune syndrome, type 1. Last evaluated: 2024-03-16. Review status: criteria provided, single submitter. Criteria: Invitae Variant Classification Sherloc (09022015). Collection method: clinical testing. Allele origin: germline.
Comment: This sequence change creates a premature translational stop signal (p.Gln108*) in the AIRE gene. It is expected to result in an absent or disrupted protein product. Loss-of-function variants in AIRE are known to be pathogenic (PMID: 11524731, 26141571). This variant is present in population databases (no rsID available, gnomAD 0.007%). This variant has not been reported in the literature in individuals affected with AIRE-related conditions. ClinVar contains an entry for this variant (Variation ID: 950721). For these reasons, this variant has been classified as Pathogenic.

Literature cited by the submitters: PubMed 11524731; PubMed 26141571.